The following is an entry in ClinVar:

ClinVar aggregate classification (germline): Uncertain significance (1 of 4 stars; one submission).

Allele frequency attached by ClinVar (database versions not stated): ExAC 0.00001; gnomAD exomes 0.00001.
gnomAD v4.1: 7 of 1,612,270 alleles (0.00043%); highest among the groups gnomAD compares: African/African-American, 0.0013%; no homozygotes.

Submission:

Labcorp Genetics (formerly Invitae), Labcorp
Classification: Uncertain significance. Last evaluated: 2022-05-18. Review status: criteria provided, single submitter. Criteria: Invitae Variant Classification Sherloc (09022015). Collection method: clinical testing. Allele origin: germline.
Comment: This sequence change replaces proline, which is neutral and non-polar, with leucine, which is neutral and non-polar, at codon 1621 of the PIK3C2A protein (p.Pro1621Leu). This variant is present in population databases (rs751396589, gnomAD 0.002%). This variant has not been reported in the literature in individuals affected with PIK3C2A-related conditions. Algorithms developed to predict the effect of missense changes on protein structure and function are either unavailable or do not agree on the potential impact of this missense change (SIFT: "Not Available"; PolyPhen-2: "Probably Damaging"; Align-GVGD: "Not Available"). In summary, the available evidence is currently insufficient to determine the role of this variant in disease. Therefore, it has been classified as a Variant of Uncertain Significance.

NM_002645.4(PIK3C2A):c.4862C>T (p.Pro1621Leu)

Gene: PIK3C2A (phosphatidylinositol-4-phosphate 3-kinase catalytic subunit type 2 alpha; minus strand). Cytogenetic location: 11p15.1.
Variant type: single nucleotide variant.
Coding change: c.4862C>T on transcript NM_002645.4 (MANE Select); coding-DNA position 4862, C replaced by T.
Protein change: p.Pro1621Leu; replaces proline 1621 with leucine.
Molecular consequence: missense variant.
Genome position (GRCh38, 1-based): chr11:17,091,350, G>A on the plus strand (C>T on the coding strand, the complement: PIK3C2A is on the minus strand). VCF-style: chr11-17091350-G-A. GRCh37 (hg19) VCF-style: chr11-17112897-G-A.
Other names: c.4862C>T, p.Pro1621Leu (NM_001321378.2); c.3722C>T, p.Pro1241Leu (NM_001321380.2); c.4694C>T, p.Pro1565Leu (NM_001386870.1); short protein forms P1565L, P1621L, P1241L.
Identifiers: ClinVar variation 1934274 (VCV001934274.5), dbSNP rs751396589, ClinGen allele CA5900432.
Genomic context (GRCh38, chr11:17,091,350, plus strand): 5'-AAAATAATAAACCAAGGAAACTTCTAGAAATGATTTTAACTTACCATTTCATTGAATGTC[G>A]GATTCCTCGTTTTTCGTGAAATTTTGGTTTTACGTTTGGATGTTTTGTGGTTATCTGGAA-3'
Protein context (NP_002636.2, residues 1611-1631): KTKISRKTRN[Pro1621Leu]TFNEMLVYSG